The following is an entry in ClinVar:

NM_017947.4(MOCOS):c.979G>A (p.Ala327Thr)

Gene: MOCOS (molybdenum cofactor sulfurase; plus strand). Cytogenetic location: 18q12.2.
Variant type: single nucleotide variant.
Coding change: c.979G>A on transcript NM_017947.4 (MANE Select); coding-DNA position 979, G replaced by A.
Protein change: p.Ala327Thr; replaces alanine 327 with threonine.
Molecular consequence: missense variant.
Genome position (GRCh38, 1-based): chr18:36,203,150, G>A. VCF-style: chr18-36203150-G-A. GRCh37 (hg19) VCF-style: chr18-33783113-G-A.
Other names: c.979G>A (NM_017947.2); short protein forms A327T.
Identifiers: ClinVar variation 2155038 (VCV002155038.2), dbSNP rs199870151, ClinGen allele CA8940576.
Genomic context (GRCh38, chr18:36,203,150, plus strand): 5'-TTCTCCTTACCCCGTGGTTATAGGTTTGAAGATGGCACCATCTCATTCCTTGATGTTATC[G>A]CGCTAAAACATGGATTTGACACCCTAGAGCGCCTCACAGGTCAGTGGACATTTCTATCCC-3'
Protein context (NP_060417.4, residues 317-337): DGTISFLDVI[Ala327Thr]LKHGFDTLER

ClinVar aggregate classification (germline): Uncertain significance. Review status: criteria provided, multiple submitters, no conflicts (2 of 4 stars). 2 submissions from 2 submitters: Uncertain significance (2). Last evaluated 2025-09-01.

Conditions:
Xanthinuria type II. Also called: Xanthine dehydrogenase and aldehyde oxidase combined deficiency of; XDH and AOX dual deficiency. Identifiers: Orphanet 3467, Orphanet 93602, MedGen C1863688, MONDO:0011346, OMIM 603592.

Allele frequency attached by ClinVar (database versions not stated): ExAC 0.00006; ESP Exome Variant Server 0.00008.
gnomAD v4.1: 90 of 1,613,964 alleles (0.0056%); highest among the groups gnomAD compares: Middle Eastern, 0.016%; no homozygotes.

Submissions (2):

Ambry Genetics
Classification: Uncertain significance. Last evaluated: 2025-09-01. Review status: criteria provided, single submitter. Criteria: Ambry Variant Classification Scheme 2023. Collection method: clinical testing. Allele origin: germline.

Labcorp Genetics (formerly Invitae), Labcorp
Classification: Uncertain significance for Xanthinuria type II. Last evaluated: 2022-06-14. Review status: criteria provided, single submitter. Criteria: Invitae Variant Classification Sherloc (09022015). Collection method: clinical testing. Allele origin: germline.
Comment: This sequence change replaces alanine, which is neutral and non-polar, with threonine, which is neutral and polar, at codon 327 of the MOCOS protein (p.Ala327Thr). This variant is present in population databases (rs199870151, gnomAD 0.01%). This variant has not been reported in the literature in individuals affected with MOCOS-related conditions. Algorithms developed to predict the effect of missense changes on protein structure and function are either unavailable or do not agree on the potential impact of this missense change (SIFT: "Deleterious"; PolyPhen-2: "Probably Damaging"; Align-GVGD: "Class C0"). In summary, the available evidence is currently insufficient to determine the role of this variant in disease. Therefore, it has been classified as a Variant of Uncertain Significance.